The following is an entry in ClinVar:

ClinVar aggregate classification (germline): Uncertain significance (1 of 4 stars; one submission).

Conditions:
Inborn genetic diseases. Identifiers: MedGen C0950123, MeSH D030342.

Allele frequency attached by ClinVar (database versions not stated): TOPMed 0.00001; gnomAD 0.00003; ExAC 0.00002; gnomAD exomes 0.00001.
gnomAD v4.1: 17 of 1,613,334 alleles (0.0011%); highest among the groups gnomAD compares: East Asian, 0.0067%; no homozygotes.

Submission:

Ambry Genetics
Classification: Uncertain significance for Inborn genetic diseases. Last evaluated: 2026-06-03. Review status: criteria provided, single submitter. Criteria: Ambry Variant Classification Scheme 2023. Collection method: clinical testing. Allele origin: germline.
Comment: The c.352G>A (p.V118M) alteration is located in exon 5 (coding exon 4) of the THRA gene. This alteration results from a G to A substitution at nucleotide position 352, causing the valine (V) at amino acid position 118 to be replaced by a methionine (M). Based on data from gnomAD, the A allele has an overall frequency of 0.002% (5/281836) total alleles studied. The highest observed frequency was 0.01% (2/19892) of East Asian alleles. Based on insufficient or conflicting evidence, the clinical significance of this alteration remains unclear.

NM_199334.5(THRA):c.352G>A (p.Val118Met)

Gene: THRA (thyroid hormone receptor alpha; plus strand). Cytogenetic location: 17q21.1.
Variant type: single nucleotide variant.
Coding change: c.352G>A on transcript NM_199334.5 (MANE Select); coding-DNA position 352, G replaced by A.
Protein change: p.Val118Met; replaces valine 118 with methionine.
Molecular consequence: missense variant.
Genome position (GRCh38, 1-based): chr17:40,083,964, G>A. VCF-style: chr17-40083964-G-A. GRCh37 (hg19) VCF-style: chr17-38240217-G-A.
Other names: c.352G>A, p.Val118Met (NM_001190918.2, NM_001190919.2, NM_003250.6); short protein forms V118M.
Identifiers: ClinVar variation 2518528 (VCV002518528.3), dbSNP rs767822096, ClinGen allele CA8539120.
Genomic context (GRCh38, chr17:40,083,964, plus strand): 5'-GTCATTGACAAGATCACCCGCAATCAGTGCCAGCTGTGCCGCTTCAAGAAGTGCATCGCC[G>A]TGGGCATGGCCATGGACTGTAAGGGGCCCAGGTGGAGGGAATAGAGCCAGGTGGCCTGGG-3'
Protein context (NP_955366.1, residues 108-128): QLCRFKKCIA[Val118Met]GMAMDLVLDD